The following is an entry in ClinVar:

ClinVar aggregate classification (germline): Uncertain significance (1 of 4 stars; one submission).

Submission:

Labcorp Genetics (formerly Invitae), Labcorp
Classification: Uncertain significance. Last evaluated: 2023-09-12. Review status: criteria provided, single submitter. Criteria: Invitae Variant Classification Sherloc (09022015). Collection method: clinical testing. Allele origin: germline.
Comment: In summary, the available evidence is currently insufficient to determine the role of this variant in disease. Therefore, it has been classified as a Variant of Uncertain Significance. An algorithm developed to predict the effect of missense changes on protein structure and function (PolyPhen-2) suggests that this variant is likely to be tolerated. This variant has not been reported in the literature in individuals affected with TMPRSS15-related conditions. This variant is not present in population databases (gnomAD no frequency). This sequence change replaces serine, which is neutral and polar, with isoleucine, which is neutral and non-polar, at codon 268 of the TMPRSS15 protein (p.Ser268Ile).

NM_002772.3(TMPRSS15):c.803G>T (p.Ser268Ile)

Gene: TMPRSS15 (transmembrane serine protease 15; minus strand). Cytogenetic location: 21q21.1.
Variant type: single nucleotide variant.
Coding change: c.803G>T on transcript NM_002772.3 (MANE Select); coding-DNA position 803, G replaced by T.
Protein change: p.Ser268Ile; replaces serine 268 with isoleucine.
Molecular consequence: missense variant.
Genome position (GRCh38, 1-based): chr21:18,359,834, C>A on the plus strand (G>T on the coding strand, the complement: TMPRSS15 is on the minus strand). VCF-style: chr21-18359834-C-A. GRCh37 (hg19) VCF-style: chr21-19732151-C-A.
Other names: short protein forms S268I.
Identifiers: ClinVar variation 2758259 (VCV002758259.3), dbSNP rs374578220, ClinGen allele CA409852064.